The following is an entry in ClinVar:

ClinVar aggregate classification (germline): Uncertain significance (1 of 4 stars; one submission).

Conditions:
Sphingolipid activator protein 1 deficiency. Also called: Metachromatic leukodystrophy due to saposin B deficiency; Saposin B Deficiency; METACHROMATIC LEUKODYSTROPHY DUE TO CEREBROSIDE SULFATASE ACTIVATOR DEFICIENCY. Identifiers: Orphanet 512, MedGen C0268262, MONDO:0009590, OMIM 249900.

Submission:

Labcorp Genetics (formerly Invitae), Labcorp
Classification: Uncertain significance for Sphingolipid activator protein 1 deficiency. Last evaluated: 2021-02-04. Review status: criteria provided, single submitter. Criteria: Invitae Variant Classification Sherloc (09022015). Collection method: clinical testing. Allele origin: germline.
Comment: This sequence change falls in intron 5 of the PSAP gene. It does not directly change the encoded amino acid sequence of the PSAP protein. It affects a nucleotide within the consensus splice site of the intron. This variant is not present in population databases (ExAC no frequency). This variant has not been reported in the literature in individuals with PSAP-related conditions. Nucleotide substitutions within the consensus splice site are a relatively common cause of aberrant splicing (PMID: 17576681, 9536098). Experimental studies and prediction algorithms are not available or were not evaluated, and the effect of this variant on mRNA splicing is currently unknown. In summary, the available evidence is currently insufficient to determine the role of this variant in disease. Therefore, it has been classified as a Variant of Uncertain Significance.

Literature cited by the submitters: PubMed 17576681; PubMed 9536098.

NM_002778.4(PSAP):c.576+3A>G

Gene: PSAP (prosaposin; minus strand). Cytogenetic location: 10q22.1.
Variant type: single nucleotide variant.
Coding change: c.576+3A>G on transcript NM_002778.4 (MANE Select); 3 bases into the intron after coding-DNA position 576, A replaced by G.
Molecular consequence: intron variant.
Genome position (GRCh38, 1-based): chr10:71,828,874, T>C on the plus strand (A>G on the coding strand, the complement: PSAP is on the minus strand). VCF-style: chr10-71828874-T-C. GRCh37 (hg19) VCF-style: chr10-73588631-T-C.
Other names: c.576+3A>G (NM_001042466.3, NM_001042465.3).
Identifiers: ClinVar variation 1493197 (VCV001493197.3), dbSNP rs2133044640, ClinGen allele CA2573145282.